The following is an entry in ClinVar:

ClinVar aggregate classification (germline): Uncertain significance. Review status: criteria provided, multiple submitters, no conflicts (2 of 4 stars). 2 submissions from 2 submitters: Uncertain significance (2). Last evaluated 2025-12-26.

Conditions:
Noonan syndrome 9 (NS9). Identifiers: Orphanet 648, MedGen C4225282, MONDO:0014691, OMIM 616559.
Cardiovascular phenotype. Identifiers: MedGen CN230736.

Submissions (2):

Ambry Genetics
Classification: Uncertain significance for Cardiovascular phenotype. Last evaluated: 2025-12-26. Review status: criteria provided, single submitter. Criteria: Ambry Variant Classification Scheme 2023. Collection method: clinical testing. Allele origin: germline.
Comment: The p.S362N variant (also known as c.1085G>A), located in coding exon 9 of the SOS2 gene, results from a G to A substitution at nucleotide position 1085. The serine at codon 362 is replaced by asparagine, an amino acid with highly similar properties. This amino acid position is conserved. In addition, the in silico prediction for this alteration is inconclusive. Based on the available evidence, the clinical significance of this variant remains unclear.

Labcorp Genetics (formerly Invitae), Labcorp
Classification: Uncertain significance for Noonan syndrome 9. Last evaluated: 2025-10-23. Review status: criteria provided, single submitter. Criteria: Invitae Variant Classification Sherloc (09022015). Collection method: clinical testing. Allele origin: germline.
Comment: This sequence change replaces serine, which is neutral and polar, with asparagine, which is neutral and polar, at codon 362 of the SOS2 protein (p.Ser362Asn). This variant is not present in population databases (gnomAD no frequency). This variant has not been reported in the literature in individuals affected with SOS2-related conditions. ClinVar contains an entry for this variant (Variation ID: 3672475). Invitae Evidence Modeling of protein sequence and biophysical properties (such as structural, functional, and spatial information, amino acid conservation, physicochemical variation, residue mobility, and thermodynamic stability) has been performed for this missense variant. However, the output from this modeling did not meet the statistical confidence thresholds required to predict the impact of this variant on SOS2 protein function. In summary, the available evidence is currently insufficient to determine the role of this variant in disease. Therefore, it has been classified as a Variant of Uncertain Significance.

NM_006939.4(SOS2):c.1085G>A (p.Ser362Asn)

Gene: SOS2 (SOS Ras/Rho guanine nucleotide exchange factor 2; minus strand). Cytogenetic location: 14q21.3.
Variant type: single nucleotide variant.
Coding change: c.1085G>A on transcript NM_006939.4 (MANE Select); coding-DNA position 1085, G replaced by A.
Protein change: p.Ser362Asn; replaces serine 362 with asparagine.
Molecular consequence: missense variant.
Genome position (GRCh38, 1-based): chr14:50,161,593, C>T on the plus strand (G>A on the coding strand, the complement: SOS2 is on the minus strand). VCF-style: chr14-50161593-C-T. GRCh37 (hg19) VCF-style: chr14-50628311-C-T.
Other names: c.986G>A, p.Ser329Asn (NM_001411020.1); c.1085G>A (NM_006939.2); short protein forms S329N, S362N.
Identifiers: ClinVar variation 3672475 (VCV003672475.3).